The following is an entry in ClinVar:

ClinVar aggregate classification (germline): Likely benign (0 of 4 stars; one submission).

Conditions:
KIRREL3-related disorder. Also called: KIRREL3-related condition.

Allele frequency attached by ClinVar (database versions not stated): gnomAD 0.00003; ESP Exome Variant Server 0.00008.
gnomAD v4.1: 70 of 1,599,272 alleles (0.0044%); highest among the groups gnomAD compares: Admixed American, 0.017%; no homozygotes.

Submission:

PreventionGenetics, part of Exact Sciences
Classification: Likely benign for KIRREL3-related condition. Last evaluated: 2020-07-02. Review status: no assertion criteria provided. Collection method: clinical testing. Allele origin: germline.
Comment: This variant is classified as likely benign based on ACMG/AMP sequence variant interpretation guidelines (Richards et al. 2015 PMID: 25741868, with internal and published modifications).

NM_032531.4(KIRREL3):c.1407G>A (p.Thr469=)

Gene: KIRREL3 (kirre like nephrin family adhesion molecule 3; minus strand). Cytogenetic location: 11q24.2.
Variant type: single nucleotide variant.
Coding change: c.1407G>A on transcript NM_032531.4 (MANE Select); coding-DNA position 1407, G replaced by A.
Protein change: p.Thr469=; no amino-acid change (threonine 469 retained).
Molecular consequence: synonymous variant.
Genome position (GRCh38, 1-based): chr11:126,436,956, C>T on the plus strand (G>A on the coding strand, the complement: KIRREL3 is on the minus strand). VCF-style: chr11-126436956-C-T. GRCh37 (hg19) VCF-style: chr11-126306851-C-T.
Other names: c.1407G>A, p.Thr469= (NM_001161707.2, NM_001301097.2).
Identifiers: ClinVar variation 3036122 (VCV003036122.2), dbSNP rs373003704, ClinGen allele CA6355891.